The following is an entry in ClinVar:

NM_001035.3(RYR2):c.1707A>G (p.Ser569=)

Gene: RYR2 (ryanodine receptor 2; plus strand). Cytogenetic location: 1q43.
Variant type: single nucleotide variant.
Coding change: c.1707A>G on transcript NM_001035.3 (MANE Select); coding-DNA position 1707, A replaced by G.
Protein change: p.Ser569=; no amino-acid change (serine 569 retained).
Molecular consequence: synonymous variant.
Genome position (GRCh38, 1-based): chr1:237,469,186, A>G. VCF-style: chr1-237469186-A-G. GRCh37 (hg19) VCF-style: chr1-237632486-A-G.
Other names: c.1707A>G (NM_001035.2).
Identifiers: ClinVar variation 919736 (VCV000919736.16), dbSNP rs757215216, ClinGen allele CA085872.

ClinVar aggregate classification (germline): Conflicting classifications of pathogenicity. Review status: criteria provided, conflicting classifications (1 of 4 stars). 4 submissions from 4 submitters: Uncertain significance (2); Benign (1); Likely benign (1). Last evaluated 2026-03-09.

Conditions:
Cardiovascular phenotype. Identifiers: MedGen CN230736.
Catecholaminergic polymorphic ventricular tachycardia 1. Also called: VENTRICULAR TACHYCARDIA, STRESS-INDUCED POLYMORPHIC 1; VENTRICULAR TACHYCARDIA, CATECHOLAMINERGIC POLYMORPHIC, 1, WITH OR WITHOUT ATRIAL DYSFUNCTION AND/OR DILATED CARDIOMYOPATHY; RYR2-Related Catecholaminergic Polymorphic Ventricular Tachycardia. Identifiers: Orphanet 3286, MedGen C1631597, MONDO:0011484, OMIM 604772.
Catecholaminergic polymorphic ventricular tachycardia (CVPT). Also called: Catecholamine-induced polymorphic ventricular tachycardia. Identifiers: Orphanet 3286, MedGen C5574922, MONDO:0017990.
Cardiomyopathy (CMYO). Also called: Cardiomyopathies. Identifiers: Orphanet 167848, MedGen C0878544, MONDO:0004994, HP:0001638. Inheritance: Various modes of inheritance.

Allele frequency attached by ClinVar (database versions not stated): gnomAD exomes 0.00001 and 0.00002; TOPMed 0.00002; ExAC 0.00003.
gnomAD v4.1: 11 of 1,532,664 alleles (0.00072%); highest among the groups gnomAD compares: Admixed American, 0.011%; no homozygotes.

Submissions (4):

Ambry Genetics
Classification: Likely benign for Cardiovascular phenotype. Last evaluated: 2026-03-09. Review status: criteria provided, single submitter. Criteria: Ambry Variant Classification Scheme 2023. Collection method: clinical testing. Allele origin: germline.

Labcorp Genetics (formerly Invitae), Labcorp
Classification: Uncertain significance for Catecholaminergic polymorphic ventricular tachycardia 1. Last evaluated: 2025-11-18. Review status: criteria provided, single submitter. Criteria: Invitae Variant Classification Sherloc (09022015). Collection method: clinical testing. Allele origin: germline.
Comment: This sequence change affects codon 569 of the RYR2 mRNA. It is a 'silent' change, meaning that it does not change the encoded amino acid sequence of the RYR2 protein. It affects a nucleotide within the consensus splice site. This variant is present in population databases (rs757215216, gnomAD 0.02%). This variant has not been reported in the literature in individuals affected with RYR2-related conditions. ClinVar contains an entry for this variant (Variation ID: 919736). Algorithms developed to predict the effect of sequence changes on RNA splicing suggest that this variant is not likely to affect RNA splicing. In summary, the available evidence is currently insufficient to determine the role of this variant in disease. Therefore, it has been classified as a Variant of Uncertain Significance.

Color Diagnostics, LLC DBA Color Health
Classification: Benign for Cardiomyopathy. Last evaluated: 2025-09-22. Review status: criteria provided, single submitter. Criteria: ACMG Guidelines, 2015. Collection method: clinical testing. Allele origin: germline.

All of Us Research Program, National Institutes of Health
Classification: Uncertain significance for Catecholaminergic polymorphic ventricular tachycardia. Last evaluated: 2023-12-01. Review status: criteria provided, single submitter. Criteria: ACMG Guidelines, 2015. Collection method: clinical testing. Allele origin: germline. Inheritance: Autosomal dominant inheritance. Observed: 6 variant alleles, 6 heterozygotes.
Comment: This synonymous variant does not change the amino acid sequence of the RYR2 protein. However, Splice site prediction tools are inconclusive regarding the impact of this variant on RNA splicing. To our knowledge, functional studies have not been performed for this variant. This variant has not been reported in individuals affected with cardiovascular disorders in the literature. This variant has been identified in 5/242894 chromosomes in the general population by the Genome Aggregation Database (gnomAD). The available evidence is insufficient to determine the role of this variant in disease conclusively. Therefore, this variant is classified as a Variant of Uncertain Significance.

This study involves interpretation of variants in research participants for the purpose of population health screening. Participant phenotype was not available at the time of variant classification. Additional details can be found in publication PMID: 35346344, PMCID: PMC8962531